The following is an entry in ClinVar:

NM_001376013.1(EPB41):c.1101C>T (p.Val367=)

Gene: EPB41 (erythrocyte membrane protein band 4.1; plus strand). Cytogenetic location: 1p35.3.
Variant type: single nucleotide variant.
Coding change: c.1101C>T on transcript NM_001376013.1 (MANE Select); coding-DNA position 1101, C replaced by T.
Protein change: p.Val367=; no amino-acid change (valine 367 retained).
Molecular consequence: synonymous variant.
Genome position (GRCh38, 1-based): chr1:29,018,419, C>T. VCF-style: chr1-29018419-C-T. GRCh37 (hg19) VCF-style: chr1-29344931-C-T.
Other names: p.Val367=; c.1101C>T, p.Val367= (NM_001166005.2, NM_001166006.2, NM_001376014.1 and 7 more transcripts); c.474C>T, p.Val158= (NM_001166007.2, NM_001376022.1, NM_001376023.1 and 7 more transcripts); c.996C>T, p.Val332= (NM_203343.3).
Identifiers: ClinVar variation 4684801 (VCV004684801.1).

ClinVar aggregate classification (germline): Likely benign (1 of 4 stars; one submission).

gnomAD v4.1: 3 of 1,614,058 alleles (0.00019%); highest among the groups gnomAD compares: Middle Eastern, 0.033%; no homozygotes.

Submission:

Mayo Clinic Laboratories, Mayo Clinic
Classification: Likely benign. Last evaluated: 2025-07-02. Review status: criteria provided, single submitter. Criteria: ACMG Guidelines, 2015. Collection method: clinical testing. Allele origin: germline. Observed: 2 variant alleles.
Comment: BP4, BP7, PM2_supporting